The following is an entry in ClinVar:

NM_178172.6(GPIHBP1):c.239C>A (p.Thr80Lys)

Gene: GPIHBP1 (glycosylphosphatidylinositol anchored high density lipoprotein binding protein 1; plus strand). Cytogenetic location: 8q24.3.
Variant type: single nucleotide variant.
Coding change: c.239C>A on transcript NM_178172.6 (MANE Select); coding-DNA position 239, C replaced by A.
Protein change: p.Thr80Lys; replaces threonine 80 with lysine.
Molecular consequence: missense variant.
Genome position (GRCh38, 1-based): chr8:143,215,070, C>A. VCF-style: chr8-143215070-C-A. GRCh37 (hg19) VCF-style: chr8-144296945-C-A.
Other names: c.239C>A, p.Thr80Lys (NM_001301772.2); short protein forms T80K.
Identifiers: ClinVar variation 3282159 (VCV003282159.3).

ClinVar aggregate classification (germline): Uncertain significance. Review status: criteria provided, multiple submitters, no conflicts (2 of 4 stars). 2 submissions from 2 submitters: Uncertain significance (2). Last evaluated 2024-10-16.

Conditions:
Cardiovascular phenotype. Identifiers: MedGen CN230736.

Submissions (2):

Labcorp Genetics (formerly Invitae), Labcorp
Classification: Uncertain significance. Last evaluated: 2024-10-16. Review status: criteria provided, single submitter. Criteria: Invitae Variant Classification Sherloc (09022015). Collection method: clinical testing. Allele origin: germline.
Comment: This sequence change replaces threonine, which is neutral and polar, with lysine, which is basic and polar, at codon 80 of the GPIHBP1 protein (p.Thr80Lys). This variant is present in population databases (rs749374488, gnomAD 0.06%). This missense change has been observed in individual(s) with clinical features of GPIHBP1-related conditions (PMID: 26892125, 36325899; internal data). In at least one individual the data is consistent with being in trans (on the opposite chromosome) from a pathogenic variant. An algorithm developed to predict the effect of missense changes on protein structure and function (PolyPhen-2) suggests that this variant is likely to be disruptive. In summary, the available evidence is currently insufficient to determine the role of this variant in disease. Therefore, it has been classified as a Variant of Uncertain Significance.

Ambry Genetics
Classification: Uncertain significance for Cardiovascular phenotype. Last evaluated: 2024-05-14. Review status: criteria provided, single submitter. Criteria: Ambry Variant Classification Scheme 2023. Collection method: clinical testing. Allele origin: germline.
Comment: Based on insufficient or conflicting evidence, the clinical significance of this alteration remains unclear.

Literature cited by the submitters: PubMed 26892125 (cited by Labcorp Genetics (formerly Invitae), Labcorp); PubMed 36325899 (cited by Labcorp Genetics (formerly Invitae), Labcorp); PubMed 30150141 (cited by Ambry Genetics).